The following is an entry in ClinVar:

NM_000143.4(FH):c.285T>C (p.Ala95=)

Gene: FH (fumarate hydratase; minus strand). Cytogenetic location: 1q43.
Variant type: single nucleotide variant.
Coding change: c.285T>C on transcript NM_000143.4 (MANE Select); coding-DNA position 285, T replaced by C.
Protein change: p.Ala95=; no amino-acid change (alanine 95 retained).
Molecular consequence: synonymous variant.
Genome position (GRCh38, 1-based): chr1:241,513,696, A>G on the plus strand (T>C on the coding strand, the complement: FH is on the minus strand). VCF-style: chr1-241513696-A-G. GRCh37 (hg19) VCF-style: chr1-241676996-A-G.
Identifiers: ClinVar variation 758041 (VCV000758041.11), dbSNP rs973577283, ClinGen allele CA40333166.

ClinVar aggregate classification (germline): Benign/Likely benign. Review status: criteria provided, multiple submitters, no conflicts (2 of 4 stars). 3 submissions from 3 submitters: Benign (1); Likely benign (2). Last evaluated 2024-10-17.

Conditions:
Hereditary leiomyomatosis and renal cell cancer. Also called: Familial leiomyomatosis; Reed syndrome; Multiple cutaneous and uterine leiomyomatosis; Cutaneous leiomyomata with uterine leiomyomata; Leiomyoma, hereditary multiple, of skin; Multiple cutaneous and uterine leiomyomata. Identifiers: Orphanet 523, MedGen C1708350, MONDO:0007888, OMIM 150800, HP:0007437. Disease mechanism: loss of function.
Hereditary cancer-predisposing syndrome. Also called: Neoplastic Syndromes, Hereditary; Hereditary Cancer Syndrome; Hereditary neoplastic syndrome; Tumor predisposition. Identifiers: Orphanet 140162, MedGen C0027672, MeSH D009386, MONDO:0015356.

Allele frequency attached by ClinVar (database versions not stated): TOPMed 0.00002.

Submissions (3):

Myriad Genetics, Inc.
Classification: Benign for Hereditary leiomyomatosis and renal cell cancer. Last evaluated: 2024-10-17. Review status: criteria provided, single submitter. Criteria: Myriad Autosomal Dominant, Autosomal Recessive and X-Linked Classification Criteria (2023). Collection method: clinical testing. Allele origin: unknown.
Comment: This variant is considered benign. This variant is a silent/synonymous amino acid change and it is not expected to impact splicing.

Labcorp Genetics (formerly Invitae), Labcorp
Classification: Likely benign. Last evaluated: 2024-05-23. Review status: criteria provided, single submitter. Criteria: Invitae Variant Classification Sherloc (09022015). Collection method: clinical testing. Allele origin: germline.

Ambry Genetics
Classification: Likely benign for Hereditary cancer-predisposing syndrome. Last evaluated: 2021-11-22. Review status: criteria provided, single submitter. Criteria: Ambry Variant Classification Scheme 2023. Collection method: clinical testing. Allele origin: germline.